The following is an entry in ClinVar:

NM_002880.4(RAF1):c.681-212A>G

Gene: RAF1 (Raf-1 proto-oncogene, serine/threonine kinase; minus strand). Cytogenetic location: 3p25.2.
Variant type: single nucleotide variant.
Coding change: c.681-212A>G on transcript NM_002880.4 (MANE Select); 212 bases into the intron before coding-DNA position 681, A replaced by G.
Molecular consequence: intron variant.
Genome position (GRCh38, 1-based): chr3:12,604,501, T>C on the plus strand (A>G on the coding strand, the complement: RAF1 is on the minus strand). VCF-style: chr3-12604501-T-C. GRCh37 (hg19) VCF-style: chr3-12646000-T-C.
Other names: c.339-212A>G (NM_001354695.3); c.438-212A>G (NM_001354692.3, NM_001354694.3, NM_001354691.3); c.582-212A>G (NM_001354693.3); c.681-212A>G (NM_001354689.3, NM_001354690.3).
Identifiers: ClinVar variation 561385 (VCV000561385.1), dbSNP rs2648367, ClinGen allele CA15236239.
Genomic context (GRCh38, chr3:12,604,501, plus strand): 5'-TCTAAAAATTATCTTAAGTCTAGGTGCTTTTGCATACAAAATTTGGAACAGGAAATAATA[T>C]ATGTATTGGGAATTCAATGAAAAGGAGAGTGCATTATAAGTTTTCTTTTTTTAAATAAAG-3'

ClinVar aggregate classification (germline): Benign (1 of 4 stars; one submission).

Allele frequency attached by ClinVar (database versions not stated): 1000 Genomes Project 0.09645; 1000 Genomes Project 30x 0.09697; TOPMed 0.15330.

Submission:

GeneDx
Classification: Benign. Last evaluated: 2018-06-15. Review status: criteria provided, single submitter. Criteria: GeneDx Variant Classification (06012015). Collection method: clinical testing. Allele origin: germline. Affected: yes.
Comment: This variant is considered likely benign or benign based on one or more of the following criteria: it is a conservative change, it occurs at a poorly conserved position in the protein, it is predicted to be benign by multiple in silico algorithms, and/or has population frequency not consistent with disease.